The following is an entry in ClinVar:

NM_006206.6(PDGFRA):c.1650A>T (p.Lys550Asn)

Gene: PDGFRA (platelet derived growth factor receptor alpha; plus strand). Cytogenetic location: 4q12.
Variant type: single nucleotide variant.
Coding change: c.1650A>T on transcript NM_006206.6 (MANE Select); coding-DNA position 1650, A replaced by T.
Protein change: p.Lys550Asn; replaces lysine 550 with asparagine.
Molecular consequence: missense variant.
Genome position (GRCh38, 1-based): chr4:54,274,622, A>T. VCF-style: chr4-54274622-A-T. GRCh37 (hg19) VCF-style: chr4-55140789-A-T.
Other names: c.1650A>T, p.Lys550Asn (NM_001347827.2, NM_001347829.2); c.1725A>T, p.Lys575Asn (NM_001347828.2); c.1689A>T, p.Lys563Asn (NM_001347830.2); short protein forms K550N, K563N, K575N.
Identifiers: ClinVar variation 1345583 (VCV001345583.8), dbSNP rs1723609635, ClinGen allele CA356892998.
Genomic context (GRCh38, chr4:54,274,622, plus strand): 5'-AGTCCTGGTGCTGTTGGTGATTGTGATCATCTCACTTATTGTCCTGGTTGTCATTTGGAA[A>T]CAGGTAGATATTTTCTCATAAAACTAAAGATCTTTGAAGCCAATGAGAACAAGCATAGCA-3'
Protein context (NP_006197.1, residues 540-560): ISLIVLVVIW[Lys550Asn]QKPRYEIRWR

ClinVar aggregate classification (germline): Uncertain significance (1 of 4 stars; one submission).

Conditions:
Gastrointestinal stromal tumor. Also called: Gastrointestinal stroma tumor; Gastrointestinal stromal tumor, somatic. Identifiers: Orphanet 44890, MedGen C0238198, MeSH D046152, MONDO:0011719, OMIM 606764, HP:0100723.

Submission:

Labcorp Genetics (formerly Invitae), Labcorp
Classification: Uncertain significance for Gastrointestinal stromal tumor. Last evaluated: 2020-11-15. Review status: criteria provided, single submitter. Criteria: Invitae Variant Classification Sherloc (09022015). Collection method: clinical testing. Allele origin: germline.
Comment: In summary, the available evidence is currently insufficient to determine the role of this variant in disease. Therefore, it has been classified as a Variant of Uncertain Significance. Algorithms developed to predict the effect of missense changes on protein structure and function are either unavailable or do not agree on the potential impact of this missense change (SIFT: "Deleterious"; PolyPhen-2: "Probably Damaging"; Align-GVGD: "Class C0"). This variant has not been reported in the literature in individuals with PDGFRA-related conditions. This variant is not present in population databases (ExAC no frequency). This sequence change replaces lysine with asparagine at codon 550 of the PDGFRA protein (p.Lys550Asn). The lysine residue is highly conserved and there is a moderate physicochemical difference between lysine and asparagine.